The following is an entry in ClinVar:

NM_003482.4(KMT2D):c.9773del (p.Lys3258fs)

Gene: KMT2D (lysine methyltransferase 2D; minus strand). Cytogenetic location: 12q13.12.
Variant type: Deletion.
Coding change: c.9773del on transcript NM_003482.4 (MANE Select); coding-DNA position 9773, one base deleted (A; older notation c.9773delA).
Protein change: p.Lys3258fs; shifts the reading frame from lysine 3258.
Molecular consequence: frameshift variant.
Genome position (GRCh38, 1-based): chr12:49,037,583, T deleted on the plus strand (A on the coding strand, the reverse complement: KMT2D is on the minus strand); the first of 2 consecutive T bases (chr12:49,037,583-49,037,584); deleting either gives the same sequence. VCF-style (leftmost placement, unchanged base first): chr12-49037582-CT-C. GRCh37 (hg19) VCF-style: chr12-49431365-CT-C.
Other names: short protein forms K3258fs.
Identifiers: ClinVar variation 1065457 (VCV001065457.7), dbSNP rs2120482282, ClinGen allele CA2499221706.

ClinVar aggregate classification (germline): Pathogenic. Review status: criteria provided, multiple submitters, no conflicts (2 of 4 stars). 2 submissions from 2 submitters: Pathogenic (2). Last evaluated 2020-12-20.

Conditions:
Kabuki syndrome. Also called: NIIKAWA-KUROKI SYNDROME; Kabuki make-up syndrome. Identifiers: Orphanet 2322, MedGen C0796004, MONDO:0016512.
Kabuki syndrome 1 (KABUK1). Also called: KMT2D-Related Kabuki Syndrome. Identifiers: Orphanet 2322, MedGen CN030661, MONDO:0007843, OMIM 147920.

Submissions (2):

Labcorp Genetics (formerly Invitae), Labcorp
Classification: Pathogenic for Kabuki syndrome. Last evaluated: 2020-12-20. Review status: criteria provided, single submitter. Criteria: Invitae Variant Classification Sherloc (09022015). Collection method: clinical testing. Allele origin: germline.
Comment: For these reasons, this variant has been classified as Pathogenic. This variant has not been reported in the literature in individuals with KMT2D-related conditions. This variant is not present in population databases (ExAC no frequency). This sequence change creates a premature translational stop signal (p.Lys3258Argfs*72) in the KMT2D gene. It is expected to result in an absent or disrupted protein product. Loss-of-function variants in KMT2D are known to be pathogenic (PMID: 22126750).

Genomic Medicine Lab, University of California San Francisco
Classification: Pathogenic for Kabuki syndrome 1. Last evaluated: 2019-10-10. Review status: criteria provided, single submitter. Criteria: ACMG Guidelines, 2015. Collection method: clinical testing. Allele origin: de novo. Inheritance: Autosomal dominant inheritance. Affected: yes. Study: CSER-P3EGS.

Literature cited by the submitters: PubMed 22126750 (cited by Labcorp Genetics (formerly Invitae), Labcorp).